The following is an entry in ClinVar:

ClinVar aggregate classification (germline): Uncertain significance. Review status: criteria provided, multiple submitters, no conflicts (2 of 4 stars). 2 submissions from 2 submitters: Uncertain significance (2). Last evaluated 2025-01-05.

Conditions:
Inborn genetic diseases. Identifiers: MedGen C0950123, MeSH D030342.
Baller-Gerold syndrome (BGS). Also called: CRANIOSYNOSTOSIS WITH RADIAL DEFECTS. Identifiers: Orphanet 1225, MedGen C0265308, MONDO:0009039, OMIM 218600.

Submissions (2):

Ambry Genetics
Classification: Uncertain significance for Inborn genetic diseases. Last evaluated: 2025-01-05. Review status: criteria provided, single submitter. Criteria: Ambry Variant Classification Scheme 2023. Collection method: clinical testing. Allele origin: germline.
Comment: The p.L59I variant (also known as c.175C>A), located in coding exon 3 of the RECQL4 gene, results from a C to A substitution at nucleotide position 175. The leucine at codon 59 is replaced by isoleucine, an amino acid with highly similar properties. This amino acid position is conserved. In addition, this alteration is predicted to be tolerated by in silico analysis. Based on the available evidence, the clinical significance of this variant remains unclear.

Labcorp Genetics (formerly Invitae), Labcorp
Classification: Uncertain significance for Baller-Gerold syndrome. Last evaluated: 2024-11-22. Review status: criteria provided, single submitter. Criteria: Invitae Variant Classification Sherloc (09022015). Collection method: clinical testing. Allele origin: germline.
Comment: This sequence change replaces leucine, which is neutral and non-polar, with isoleucine, which is neutral and non-polar, at codon 59 of the RECQL4 protein (p.Leu59Ile). This variant is not present in population databases (gnomAD no frequency). This variant has not been reported in the literature in individuals affected with RECQL4-related conditions. ClinVar contains an entry for this variant (Variation ID: 939359). Experimental studies and prediction algorithms are not available or were not evaluated, and the functional significance of this variant is currently unknown. In summary, the available evidence is currently insufficient to determine the role of this variant in disease. Therefore, it has been classified as a Variant of Uncertain Significance.

NM_004260.4(RECQL4):c.175C>A (p.Leu59Ile)

Genes: RECQL4 (RecQ like helicase 4; minus strand), LOC130001411 (ATAC-STARR-seq lymphoblastoid silent region 19699; plus strand). Cytogenetic location: 8q24.3.
Variant type: single nucleotide variant.
Coding change: c.175C>A on transcript NM_004260.4 (MANE Select); coding-DNA position 175, C replaced by A.
Protein change: p.Leu59Ile; replaces leucine 59 with isoleucine.
Molecular consequence: missense variant.
Genome position (GRCh38, 1-based): chr8:144,517,452, G>T on the plus strand (C>A on the coding strand, the complement: RECQL4 is on the minus strand). VCF-style: chr8-144517452-G-T. GRCh37 (hg19) VCF-style: chr8-145742836-G-T.
Other names: short protein forms L59I.
Identifiers: ClinVar variation 939359 (VCV000939359.6), dbSNP rs752508496, ClinGen allele CA372692613.